The following is an entry in ClinVar:

ClinVar aggregate classification (germline): Likely benign. Review status: criteria provided, multiple submitters, no conflicts (2 of 4 stars). 2 submissions from 2 submitters: Likely benign (2). Last evaluated 2025-12-29.

Conditions:
Charcot-Marie-Tooth disease dominant intermediate C (CMTDIC). Also called: CHARCOT-MARIE-TOOTH NEUROPATHY, DOMINANT INTERMEDIATE C. Identifiers: Orphanet 100045, MedGen C1842237, MONDO:0012012, OMIM 608323.

Allele frequency attached by ClinVar (database versions not stated): gnomAD 0.00001 and 0.00003; gnomAD exomes 0.00002; TOPMed 0.00003; ExAC 0.00005; 1000 Genomes Project 0.00020; 1000 Genomes Project 30x 0.00031.
gnomAD v4.1: 19 of 1,613,772 alleles (0.0012%); highest among the groups gnomAD compares: African/African-American, 0.0027%; no homozygotes.

Submissions (2):

Labcorp Genetics (formerly Invitae), Labcorp
Classification: Likely benign for Charcot-Marie-Tooth disease dominant intermediate C. Last evaluated: 2025-12-29. Review status: criteria provided, single submitter. Criteria: Invitae Variant Classification Sherloc (09022015). Collection method: clinical testing. Allele origin: germline.

GeneDx
Classification: Likely benign. Last evaluated: 2017-01-20. Review status: criteria provided, single submitter. Criteria: GeneDx Variant Classification (06012015). Collection method: clinical testing. Allele origin: germline. Affected: yes.
Comment: This variant is considered likely benign or benign based on one or more of the following criteria: it is a conservative change, it occurs at a poorly conserved position in the protein, it is predicted to be benign by multiple in silico algorithms, and/or has population frequency not consistent with disease.

NM_003680.4(YARS1):c.1141-15G>A

Gene: YARS1 (tyrosyl-tRNA synthetase 1; minus strand). Cytogenetic location: 1p35.1.
Variant type: single nucleotide variant.
Coding change: c.1141-15G>A on transcript NM_003680.4 (MANE Select); 15 bases into the intron before coding-DNA position 1141, G replaced by A.
Molecular consequence: intron variant.
Genome position (GRCh38, 1-based): chr1:32,780,293, C>T on the plus strand (G>A on the coding strand, the complement: YARS1 is on the minus strand). VCF-style: chr1-32780293-C-T. GRCh37 (hg19) VCF-style: chr1-33245894-C-T.
Identifiers: ClinVar variation 506903 (VCV000506903.4), dbSNP rs576746700, ClinGen allele CA744967.